The following is an entry in ClinVar:

NM_019032.6(ADAMTSL4):c.1639dup (p.Ser547fs)

Genes: ADAMTSL4 (ADAMTS like 4; plus strand), ADAMTSL4-AS2 (ADAMTSL4 antisense RNA 2; minus strand). Cytogenetic location: 1q21.2.
Variant type: Duplication.
Coding change: c.1639dup on transcript NM_019032.6 (MANE Select); coding-DNA position 1639, one base duplicated (T; older notation c.1639dupT).
Protein change: p.Ser547fs; shifts the reading frame from serine 547.
Molecular consequence: frameshift variant. On other transcripts: non-coding transcript variant (2).
Genome position (GRCh38, 1-based): chr1:150,556,683, T duplicated. VCF-style (leftmost placement, unchanged base first): chr1-150556682-G-GT. GRCh37 (hg19) VCF-style: chr1-150529158-G-GT.
Other names: c.1708dup, p.Ser570fs (NM_001288607.2, NM_001288608.2); c.1639dup, p.Ser547fs (NM_001378596.1, NM_025008.5); short protein forms S547fs, S570fs.
Identifiers: ClinVar variation 2778091 (VCV002778091.3), dbSNP rs2526707715, ClinGen allele CA2647815462.

ClinVar aggregate classification (germline): Pathogenic (1 of 4 stars; one submission).

Allele frequency attached by ClinVar (database versions not stated): gnomAD exomes below 0.00001.

Submission:

Labcorp Genetics (formerly Invitae), Labcorp
Classification: Pathogenic. Last evaluated: 2025-10-11. Review status: criteria provided, single submitter. Criteria: Invitae Variant Classification Sherloc (09022015). Collection method: clinical testing. Allele origin: germline.
Comment: This sequence change creates a premature translational stop signal (p.Ser547Phefs*12) in the ADAMTSL4 gene. It is expected to result in an absent or disrupted protein product. Loss-of-function variants in ADAMTSL4 are known to be pathogenic (PMID: 20564469, 28642162). This variant is not present in population databases (gnomAD no frequency). This variant has not been reported in the literature in individuals affected with ADAMTSL4-related conditions. ClinVar contains an entry for this variant (Variation ID: 2778091). For these reasons, this variant has been classified as Pathogenic.

Literature cited by the submitters: PubMed 20564469; PubMed 28642162.